The following is an entry in ClinVar:

ClinVar aggregate classification (germline): Uncertain significance (1 of 4 stars; one submission).

Conditions:
Hereditary cancer-predisposing syndrome. Also called: Neoplastic Syndromes, Hereditary; Tumor predisposition; Hereditary Cancer Syndrome; Hereditary neoplastic syndrome. Identifiers: Orphanet 140162, MedGen C0027672, MeSH D009386, MONDO:0015356.

Submission:

Ambry Genetics
Classification: Uncertain significance for Hereditary cancer-predisposing syndrome. Last evaluated: 2026-04-26. Review status: criteria provided, single submitter. Criteria: Ambry Variant Classification Scheme 2023. Collection method: clinical testing. Allele origin: germline.
Comment: The p.V247G variant (also known as c.740T>G), located in coding exon 9 of the BAP1 gene, results from a T to G substitution at nucleotide position 740. The valine at codon 247 is replaced by glycine, an amino acid with dissimilar properties. This amino acid position is conserved. In addition, the in silico prediction for this alteration is inconclusive. Based on the available evidence, the clinical significance of this variant remains unclear.

NM_004656.4(BAP1):c.740T>G (p.Val247Gly)

Gene: BAP1 (BRCA1 associated deubiquitinase 1; minus strand). Cytogenetic location: 3p21.1.
Variant type: single nucleotide variant.
Coding change: c.740T>G on transcript NM_004656.4 (MANE Select); coding-DNA position 740, T replaced by G.
Protein change: p.Val247Gly; replaces valine 247 with glycine.
Molecular consequence: missense variant.
Genome position (GRCh38, 1-based): chr3:52,406,296, A>C on the plus strand (T>G on the coding strand, the complement: BAP1 is on the minus strand). VCF-style: chr3-52406296-A-C. GRCh37 (hg19) VCF-style: chr3-52440312-A-C.
Other names: c.686T>G, p.Val229Gly (NM_001410772.1); short protein forms V229G, V247G.
Identifiers: ClinVar variation 4867360 (VCV004867360.1).